The following is an entry in ClinVar:

ClinVar aggregate classification (germline): Uncertain significance. Review status: criteria provided, multiple submitters, no conflicts (2 of 4 stars). 3 submissions from 3 submitters: Uncertain significance (3). Last evaluated 2025-06-21.

Conditions:
Dyskeratosis congenita, autosomal dominant 2. Identifiers: MedGen C3151443, MONDO:0013521, OMIM 613989.
Idiopathic Pulmonary Fibrosis. Also called: Idiopathic fibrosing alveolitis, chronic form; idiopathic fibrosing alveolitis. Identifiers: Orphanet 2032, MedGen C1800706, MeSH D054990, MONDO:0800504.
Dyskeratosis congenita. Identifiers: Orphanet 1775, MedGen C0265965, MONDO:0015780.

gnomAD v4.1: 4 of 1,542,602 alleles (0.00026%); highest among the groups gnomAD compares: Non-Finnish European, 0.00035%; no homozygotes.

Submissions (3):

Ambry Genetics
Classification: Uncertain significance for Dyskeratosis congenita. Last evaluated: 2025-06-21. Review status: criteria provided, single submitter. Criteria: Ambry Variant Classification Scheme 2023. Collection method: clinical testing. Allele origin: germline.
Comment: The p.P322R variant (also known as c.965C>G), located in coding exon 2 of the TERT gene, results from a C to G substitution at nucleotide position 965. The proline at codon 322 is replaced by arginine, an amino acid with dissimilar properties. This amino acid position is conserved. In addition, this alteration is predicted to be tolerated by in silico analysis. Since supporting evidence is limited at this time, the clinical significance of this alteration remains unclear.

GeneDx
Classification: Uncertain significance. Last evaluated: 2024-02-28. Review status: criteria provided, single submitter. Criteria: GeneDx Variant Classification Process June 2021. Collection method: clinical testing. Allele origin: germline. Affected: yes.
Comment: Not observed at significant frequency in large population cohorts (gnomAD); In silico analysis supports that this missense variant does not alter protein structure/function; Has not been previously published as pathogenic or benign to our knowledge

Labcorp Genetics (formerly Invitae), Labcorp
Classification: Uncertain significance for Dyskeratosis congenita, autosomal dominant 2; Idiopathic Pulmonary Fibrosis. Last evaluated: 2023-11-10. Review status: criteria provided, single submitter. Criteria: Invitae Variant Classification Sherloc (09022015). Collection method: clinical testing. Allele origin: germline.
Comment: This sequence change replaces proline, which is neutral and non-polar, with arginine, which is basic and polar, at codon 322 of the TERT protein (p.Pro322Arg). This variant is not present in population databases (gnomAD no frequency). This variant has not been reported in the literature in individuals affected with TERT-related conditions. ClinVar contains an entry for this variant (Variation ID: 941849). Advanced modeling of protein sequence and biophysical properties (such as structural, functional, and spatial information, amino acid conservation, physicochemical variation, residue mobility, and thermodynamic stability) performed at Invitae indicates that this missense variant is expected to disrupt TERT protein function with a positive predictive value of 80%. In summary, the available evidence is currently insufficient to determine the role of this variant in disease. Therefore, it has been classified as a Variant of Uncertain Significance.

NM_198253.3(TERT):c.965C>G (p.Pro322Arg)

Gene: TERT (telomerase reverse transcriptase; minus strand). Cytogenetic location: 5p15.33.
Variant type: single nucleotide variant.
Coding change: c.965C>G on transcript NM_198253.3 (MANE Select); coding-DNA position 965, C replaced by G.
Protein change: p.Pro322Arg; replaces proline 322 with arginine.
Molecular consequence: missense variant. On other transcripts: non-coding transcript variant (2).
Genome position (GRCh38, 1-based): chr5:1,293,921, G>C on the plus strand (C>G on the coding strand, the complement: TERT is on the minus strand). VCF-style: chr5-1293921-G-C. GRCh37 (hg19) VCF-style: chr5-1294036-G-C.
Other names: c.965C>G, p.Pro322Arg (NM_001193376.3); short protein forms P322R.
Identifiers: ClinVar variation 941849 (VCV000941849.14), dbSNP rs1438162956, ClinGen allele CA359056060.